The following is an entry in ClinVar:

NM_000303.3(PMM2):c.512C>T (p.Thr171Met)

Gene: PMM2 (phosphomannomutase 2; plus strand). Cytogenetic location: 16p13.2.
Variant type: single nucleotide variant.
Coding change: c.512C>T on transcript NM_000303.3 (MANE Select); coding-DNA position 512, C replaced by T.
Protein change: p.Thr171Met; replaces threonine 171 with methionine.
Molecular consequence: missense variant.
Genome position (GRCh38, 1-based): chr16:8,811,702, C>T. VCF-style: chr16-8811702-C-T. GRCh37 (hg19) VCF-style: chr16-8905559-C-T.
Other names: short protein forms T171M.
Identifiers: ClinVar variation 2144204 (VCV002144204.4), dbSNP rs547057460, ClinGen allele CA277491394.
Genomic context (GRCh38, chr16:8,811,702, plus strand): 5'-AAAATATAAGACAAAAGTTTGTAGCAGATCTACGGAAAGAGTTTGCTGGAAAAGGCCTCA[C>T]GTTTTCCATAGGTATTGTATATATTGCCTGTGTTCCAAACTTGGATACCCATTTCCCAGA-3'
Protein context (NP_000294.1, residues 161-181): LRKEFAGKGL[Thr171Met]FSIGGQISFD

ClinVar aggregate classification (germline): Uncertain significance (1 of 4 stars; one submission).

Conditions:
PMM2-congenital disorder of glycosylation. Also called: JAEKEN SYNDROME; PHOSPHOMANNOMUTASE 2 DEFICIENCY; CARBOHYDRATE-DEFICIENT GLYCOPROTEIN SYNDROME, TYPE Ia; Congenital disorder of glycosylation, type Ia; PMM2-CDG; CDG Ia. Identifiers: Orphanet 79318, MedGen C0349653, MONDO:0008907, OMIM 212065.

gnomAD v4.1: 8 of 1,608,540 alleles (0.0005%); highest among the groups gnomAD compares: South Asian, 0.0044%; no homozygotes.

Submission:

Labcorp Genetics (formerly Invitae), Labcorp
Classification: Uncertain significance for PMM2-congenital disorder of glycosylation. Last evaluated: 2022-05-11. Review status: criteria provided, single submitter. Criteria: Invitae Variant Classification Sherloc (09022015). Collection method: clinical testing. Allele origin: germline.
Comment: In summary, the available evidence is currently insufficient to determine the role of this variant in disease. Therefore, it has been classified as a Variant of Uncertain Significance. Algorithms developed to predict the effect of missense changes on protein structure and function are either unavailable or do not agree on the potential impact of this missense change (SIFT: "Deleterious"; PolyPhen-2: "Probably Damaging"; Align-GVGD: "Class C15"). This variant has not been reported in the literature in individuals affected with PMM2-related conditions. This variant is present in population databases (rs547057460, gnomAD 0.003%). This sequence change replaces threonine, which is neutral and polar, with methionine, which is neutral and non-polar, at codon 171 of the PMM2 protein (p.Thr171Met).